The following is an entry in ClinVar:

ClinVar aggregate classification (germline): Pathogenic (1 of 4 stars; one submission).

Conditions:
Fabry disease. Also called: Fabry's disease; ALPHA-GALACTOSIDASE A DEFICIENCY; ANDERSON-FABRY DISEASE; CERAMIDE TRIHEXOSIDASE DEFICIENCY; GLA DEFICIENCY; HEREDITARY DYSTOPIC LIPIDOSIS. Identifiers: Orphanet 324, MedGen C0002986, MONDO:0010526, OMIM 301500, HP:0001071. Disease mechanism: Fabry disease is due to inactivating mutations in the X-linked GLA gene resulting in deficiency of the enzyme Alpha Galactosidase-A., loss of function.

Submission:

Labcorp Genetics (formerly Invitae), Labcorp
Classification: Pathogenic for Fabry disease. Last evaluated: 2022-01-16. Review status: criteria provided, single submitter. Criteria: Invitae Variant Classification Sherloc (09022015). Collection method: clinical testing. Allele origin: germline.
Comment: For these reasons, this variant has been classified as Pathogenic. This sequence change creates a premature translational stop signal (p.Asn192Ilefs*48) in the GLA gene. It is expected to result in an absent or disrupted protein product. Loss-of-function variants in GLA are known to be pathogenic (PMID: 10666480, 12175777). This variant is not present in population databases (gnomAD no frequency). This variant has not been reported in the literature in individuals affected with GLA-related conditions.

Literature cited by the submitters: PubMed 10666480; PubMed 12175777.

NM_000169.3(GLA):c.573del (p.Asn192fs)

Genes: GLA (galactosidase alpha; minus strand), RPL36A-HNRNPH2 (RPL36A-HNRNPH2 readthrough; plus strand). Cytogenetic location: Xq22.1.
Variant type: Deletion.
Coding change: c.573del on transcript NM_000169.3 (MANE Select); coding-DNA position 573, one base deleted (G; older notation c.573delG).
Protein change: p.Asn192fs; shifts the reading frame from asparagine 192.
Molecular consequence: frameshift variant. On other transcripts: non-coding transcript variant (2), intron variant (2).
Genome position (GRCh38, 1-based): chrX:101,400,732, C deleted on the plus strand (G on the coding strand, the reverse complement: GLA is on the minus strand). VCF-style (leftmost placement, unchanged base first): chrX-101400731-TC-T. GRCh37 (hg19) VCF-style: chrX-100655719-TC-T.
Other names: c.696del, p.Asn233fs (NM_001406747.1); c.573del, p.Asn192fs (NM_001406748.1); c.300+5275del (NM_001199973.2); c.177+8910del (NM_001199974.2); short protein forms N192fs, N233fs.
Identifiers: ClinVar variation 2085455 (VCV002085455.4), dbSNP rs2520887287, ClinGen allele CA2580100121.